The following is an entry in ClinVar:

NM_001376.5(DYNC1H1):c.11531C>T (p.Pro3844Leu)

Gene: DYNC1H1 (dynein cytoplasmic 1 heavy chain 1; plus strand). Cytogenetic location: 14q32.31.
Variant type: single nucleotide variant.
Coding change: c.11531C>T on transcript NM_001376.5 (MANE Select); coding-DNA position 11531, C replaced by T.
Protein change: p.Pro3844Leu; replaces proline 3844 with leucine.
Molecular consequence: missense variant.
Genome position (GRCh38, 1-based): chr14:102,039,482, C>T. VCF-style: chr14-102039482-C-T. GRCh37 (hg19) VCF-style: chr14-102505819-C-T.
Other names: short protein forms P3844L.
Identifiers: ClinVar variation 2441055 (VCV002441055.7), dbSNP rs749946187, ClinGen allele CA7353633.
Genomic context (GRCh38, chr14:102,039,482, plus strand): 5'-TGTACCAGTACTCCCTCCAGTTTTTCCTGGACATTTATCACAACGTCCTATACGAGAACC[C>T]GAACCTGAAGGGTGTCACCGACCACACACAGCGCCTGTCCATTATAACAAAGGACCTCTT-3'
Protein context (NP_001367.2, residues 3834-3854): DIYHNVLYEN[Pro3844Leu]NLKGVTDHTQ

ClinVar aggregate classification (germline): Uncertain significance. Review status: criteria provided, multiple submitters, no conflicts (2 of 4 stars). 3 submissions from 3 submitters: Uncertain significance (3). Last evaluated 2025-06-15.

Conditions:
Charcot-Marie-Tooth disease axonal type 2O. Also called: CHARCOT-MARIE-TOOTH NEUROPATHY, AXONAL, TYPE 2O; CHARCOT-MARIE-TOOTH DISEASE, AXONAL, AUTOSOMAL DOMINANT, TYPE 2O; Charcot-Marie-Tooth disease, axonal, type 20; Charcot-Marie-Tooth Neuropathy Type 2O. Identifiers: Orphanet 284232, MedGen C3280220, MONDO:0013644, OMIM 614228.

Allele frequency attached by ClinVar (database versions not stated): gnomAD exomes 0.00001; gnomAD 0.00002; ExAC 0.00004; TOPMed below 0.00001.
gnomAD v4.1: 17 of 1,614,234 alleles (0.0011%); highest among the groups gnomAD compares: South Asian, 0.0077%; no homozygotes.

Submissions (3):

Labcorp Genetics (formerly Invitae), Labcorp
Classification: Uncertain significance for Charcot-Marie-Tooth disease axonal type 2O. Last evaluated: 2025-06-15. Review status: criteria provided, single submitter. Criteria: Invitae Variant Classification Sherloc (09022015). Collection method: clinical testing. Allele origin: germline.
Comment: This sequence change replaces proline, which is neutral and non-polar, with leucine, which is neutral and non-polar, at codon 3844 of the DYNC1H1 protein (p.Pro3844Leu). This variant is present in population databases (rs749946187, gnomAD 0.006%). This variant has not been reported in the literature in individuals affected with DYNC1H1-related conditions. ClinVar contains an entry for this variant (Variation ID: 2441055). Invitae Evidence Modeling of protein sequence and biophysical properties (such as structural, functional, and spatial information, amino acid conservation, physicochemical variation, residue mobility, and thermodynamic stability) has been performed for this missense variant. However, the output from this modeling did not meet the statistical confidence thresholds required to predict the impact of this variant on DYNC1H1 protein function. In summary, the available evidence is currently insufficient to determine the role of this variant in disease. Therefore, it has been classified as a Variant of Uncertain Significance.

Neuberg Centre For Genomic Medicine, NCGM
Classification: Uncertain significance for Charcot-Marie-Tooth disease axonal type 2O. Last evaluated: 2023-06-22. Review status: criteria provided, single submitter. Criteria: ACMG Guidelines, 2015. Collection method: clinical testing. Allele origin: germline. Inheritance: Autosomal dominant inheritance. Affected: yes.
Comment: The observed missense variant c.11531C>T(p.Pro3844Leu) in DYNC1H1 gene has not been reported previously as a pathogenic variant nor as a benign variant, to our knowledge. The c.11531C>T(p.Pro3844Leu) variant is reported with 0.002% allele frequency in gnomAD Exomes. The amino acid Pro at position 3844 is changed to a Leu changing protein sequence and it might alter its composition and physico-chemical properties. Multiple lines of computational evidence (Polyphen-possibly damaging, SIFT-damaging and Mutation Taster-disease causing) predict a damaging effect on protein structure and function for this variant. The reference amino acid p.Pro3844Leu in DYNC1H1 is predicted as conserved by GERP++ and PhyloP across 100 vertebrates. For these reasons, this variant has been classified as Uncertain Significance.

Revvity Omics, Revvity
Classification: Uncertain significance. Last evaluated: 2022-03-03. Review status: criteria provided, single submitter. Criteria: ACMG Guidelines, 2015. Collection method: clinical testing. Allele origin: germline.